The following is an entry in ClinVar:

ClinVar aggregate classification (germline): Uncertain significance (1 of 4 stars; one submission).

Conditions:
Noonan syndrome 9 (NS9). Identifiers: Orphanet 648, MedGen C4225282, MONDO:0014691, OMIM 616559.

Allele frequency attached by ClinVar (database versions not stated): gnomAD exomes below 0.00001.
gnomAD v4.1: 5 of 1,608,910 alleles (0.00031%); highest among the groups gnomAD compares: Non-Finnish European, 0.00042%; no homozygotes.

Submission:

Baylor Genetics
Classification: Uncertain significance for Noonan syndrome 9. Last evaluated: 2020-02-13. Review status: criteria provided, single submitter. Criteria: ACMG Guidelines, 2015. Collection method: clinical testing. Allele origin: unknown. Affected: yes.
Comment: This variant was determined to be of uncertain significance according to ACMG Guidelines, 2015 [PMID:25741868].

NM_006939.4(SOS2):c.574A>G (p.Ser192Gly)

Gene: SOS2 (SOS Ras/Rho guanine nucleotide exchange factor 2; minus strand). Cytogenetic location: 14q21.3.
Variant type: single nucleotide variant.
Coding change: c.574A>G on transcript NM_006939.4 (MANE Select); coding-DNA position 574, A replaced by G.
Protein change: p.Ser192Gly; replaces serine 192 with glycine.
Molecular consequence: missense variant.
Genome position (GRCh38, 1-based): chr14:50,188,637, T>C on the plus strand (A>G on the coding strand, the complement: SOS2 is on the minus strand). VCF-style: chr14-50188637-T-C. GRCh37 (hg19) VCF-style: chr14-50655355-T-C.
Other names: short protein forms S192G.
Identifiers: ClinVar variation 1027693 (VCV001027693.1), dbSNP rs1886005265, ClinGen allele CA389648235.
Genomic context (GRCh38, chr14:50,188,637, plus strand): 5'-GTCTTTCTTCTGCGATTTCAGTTCTGACAAGATCATAGTAGTTTAATTCACCAGAAGAAC[T>C]AGGTTCATCTTCACAGAGAGAAACCAAACCTATGTCATCCTGATCAAACATGTCCATCAA-3'
Protein context (NP_008870.2, residues 182-202): GLVSLCEDEP[Ser192Gly]SSGELNYYDL